The following is an entry in ClinVar:

NM_000815.5(GABRD):c.263C>T (p.Thr88Met)

Gene: GABRD (gamma-aminobutyric acid type A receptor subunit delta; plus strand). Cytogenetic location: 1p36.33.
Variant type: single nucleotide variant.
Coding change: c.263C>T on transcript NM_000815.5 (MANE Select); coding-DNA position 263, C replaced by T.
Protein change: p.Thr88Met; replaces threonine 88 with methionine.
Molecular consequence: missense variant.
Genome position (GRCh38, 1-based): chr1:2,025,531, C>T. VCF-style: chr1-2025531-C-T. GRCh37 (hg19) VCF-style: chr1-1956970-C-T.
Other names: short protein forms T88M.
Identifiers: ClinVar variation 460008 (VCV000460008.9), dbSNP rs373508468, ClinGen allele CA534605.

ClinVar aggregate classification (germline): Uncertain significance. Review status: criteria provided, multiple submitters, no conflicts (2 of 4 stars). 2 submissions from 2 submitters: Uncertain significance (2). Last evaluated 2024-10-17.

Conditions:
Inborn genetic diseases. Identifiers: MedGen C0950123, MeSH D030342.
Idiopathic generalized epilepsy. Also called: Generalised epilepsy; EIG. Identifiers: MedGen C0270850, MONDO:0005579, OMIM 600669.

Allele frequency attached by ClinVar (database versions not stated): ExAC 0.00002; gnomAD 0.00001; ESP Exome Variant Server 0.00008; gnomAD exomes 0.00001 and 0.00003; TOPMed 0.00005.

Submissions (2):

Labcorp Genetics (formerly Invitae), Labcorp
Classification: Uncertain significance for Idiopathic generalized epilepsy. Last evaluated: 2024-10-17. Review status: criteria provided, single submitter. Criteria: Invitae Variant Classification Sherloc (09022015). Collection method: clinical testing. Allele origin: germline.
Comment: This sequence change replaces threonine, which is neutral and polar, with methionine, which is neutral and non-polar, at codon 88 of the GABRD protein (p.Thr88Met). This variant is present in population databases (rs373508468, gnomAD 0.02%). This variant has not been reported in the literature in individuals affected with GABRD-related conditions. ClinVar contains an entry for this variant (Variation ID: 460008). An algorithm developed to predict the effect of missense changes on protein structure and function (PolyPhen-2) suggests that this variant is likely to be disruptive. In summary, the available evidence is currently insufficient to determine the role of this variant in disease. Therefore, it has been classified as a Variant of Uncertain Significance.

Ambry Genetics
Classification: Uncertain significance for Inborn genetic diseases. Last evaluated: 2024-02-21. Review status: criteria provided, single submitter. Criteria: Ambry Variant Classification Scheme 2023. Collection method: clinical testing. Allele origin: germline.